The following is an entry in ClinVar:

NM_003705.5(SLC25A12):c.1469G>A (p.Arg490Gln)

Gene: SLC25A12 (solute carrier family 25 member 12; minus strand). Cytogenetic location: 2q31.1.
Variant type: single nucleotide variant.
Coding change: c.1469G>A on transcript NM_003705.5 (MANE Select); coding-DNA position 1469, G replaced by A.
Protein change: p.Arg490Gln; replaces arginine 490 with glutamine.
Molecular consequence: missense variant. On other transcripts: non-coding transcript variant (1).
Genome position (GRCh38, 1-based): chr2:171,791,567, C>T on the plus strand (G>A on the coding strand, the complement: SLC25A12 is on the minus strand). VCF-style: chr2-171791567-C-T. GRCh37 (hg19) VCF-style: chr2-172648077-C-T.
Other names: short protein forms R490Q.
Identifiers: ClinVar variation 1501512 (VCV001501512.12), dbSNP rs2105837625, ClinGen allele CA349288898.

ClinVar aggregate classification (germline): Uncertain significance. Review status: criteria provided, multiple submitters, no conflicts (2 of 4 stars). 3 submissions from 3 submitters: Uncertain significance (3). Last evaluated 2021-12-06.

Conditions:
Developmental and epileptic encephalopathy, 39 (DEE39). Also called: DEVELOPMENTAL AND EPILEPTIC ENCEPHALOPATHY 39 WITH LEUKODYSTROPHY. Identifiers: Orphanet 353217, MedGen C2751855, MONDO:0013056, OMIM 612949.

Allele frequency attached by ClinVar (database versions not stated): gnomAD exomes 0.00002.
gnomAD v4.1: 23 of 1,613,884 alleles (0.0014%); highest among the groups gnomAD compares: Non-Finnish European, 0.0019%; no homozygotes.

Submissions (3):

Blueprint Genetics
Classification: Uncertain significance. Last evaluated: 2021-12-06. Review status: criteria provided, single submitter. Criteria: ACMG Guidelines, 2015. Collection method: clinical testing. Allele origin: germline.

Labcorp Genetics (formerly Invitae), Labcorp
Classification: Uncertain significance. Last evaluated: 2021-08-11. Review status: criteria provided, single submitter. Criteria: Invitae Variant Classification Sherloc (09022015). Collection method: clinical testing. Allele origin: germline.
Comment: This sequence change replaces arginine with glutamine at codon 490 of the SLC25A12 protein (p.Arg490Gln). The arginine residue is highly conserved and there is a small physicochemical difference between arginine and glutamine. In summary, the available evidence is currently insufficient to determine the role of this variant in disease. Therefore, it has been classified as a Variant of Uncertain Significance. Algorithms developed to predict the effect of missense changes on protein structure and function (SIFT, PolyPhen-2, Align-GVGD) all suggest that this variant is likely to be disruptive, but these predictions have not been confirmed by published functional studies and their clinical significance is uncertain. This variant has not been reported in the literature in individuals with SLC25A12-related conditions. This variant is not present in population databases (ExAC no frequency).

Kasturba Medical College, Manipal, Kasturba Medical College, Manipal, Manipal Academy of Higher Education, Manipal, India
Classification: Uncertain significance for Developmental and epileptic encephalopathy, 39. Review status: criteria provided, single submitter. Criteria: ACMG Guidelines, 2015. Collection method: clinical testing. Allele origin: germline. Inheritance: Autosomal recessive inheritance. Affected: yes. Observed: 1 homozygote.